The following is an entry in ClinVar:

NM_004456.5(EZH2):c.1240+35T>C

Gene: EZH2 (enhancer of zeste 2 polycomb repressive complex 2 subunit; minus strand). Cytogenetic location: 7q36.1.
Variant type: single nucleotide variant.
Coding change: c.1240+35T>C on transcript NM_004456.5 (MANE Select); 35 bases into the intron after coding-DNA position 1240, T replaced by C.
Molecular consequence: intron variant.
Genome position (GRCh38, 1-based): chr7:148,817,842, A>G on the plus strand (T>C on the coding strand, the complement: EZH2 is on the minus strand). VCF-style: chr7-148817842-A-G. GRCh37 (hg19) VCF-style: chr7-148514934-A-G.
Other names: c.1198+35T>C (NM_001203248.2, NM_001203249.2); c.1108+35T>C (NM_152998.3); c.1225+35T>C (NM_001203247.2).
Identifiers: ClinVar variation 675884 (VCV000675884.2), dbSNP rs77634281, ClinGen allele CA4547937.
Genomic context (GRCh38, chr7:148,817,842, plus strand): 5'-CAACTAAGAAAATTATTCAATGCATTATACATCCTTAATCCTCACAACACGAACTTTCAC[A>G]GAACAGTAAAACCCAGTTATTAGACGTGTCTTACCAGAGGAGCTCGAAGTTTCATCTTTC-3'

ClinVar aggregate classification (germline): Likely benign. Review status: criteria provided, multiple submitters, no conflicts (2 of 4 stars). 2 submissions from 2 submitters: Likely benign (2). Last evaluated 2018-06-14.

Allele frequency attached by ClinVar (database versions not stated): gnomAD exomes 0.00119 and 0.00340; ExAC 0.00426; gnomAD 0.01295 and 0.01380; TOPMed 0.01442; ESP Exome Variant Server 0.01469; 1000 Genomes Project 0.01538; 1000 Genomes Project 30x 0.01640.
gnomAD v4.1: 3,837 of 1,614,010 alleles (0.24%); highest among the groups gnomAD compares: African/African-American, 4.4%; 88 homozygotes.

Submissions (2):

GeneDx
Classification: Likely benign. Last evaluated: 2018-06-14. Review status: criteria provided, single submitter. Criteria: GeneDx Variant Classification (06012015). Collection method: clinical testing. Allele origin: germline. Affected: yes.
Comment: This variant is considered likely benign or benign based on one or more of the following criteria: it is a conservative change, it occurs at a poorly conserved position in the protein, it is predicted to be benign by multiple in silico algorithms, and/or has population frequency not consistent with disease.

Breakthrough Genomics
Classification: Likely benign. Review status: criteria provided, single submitter. Criteria: ACMG Guidelines, 2015. Collection method: not provided. Allele origin: germline. Inheritance: Autosomal dominant inheritance. Affected: yes.